The following is an entry in ClinVar:

NM_001083961.2(WDR62):c.531T>G (p.His177Gln)

Gene: WDR62 (WD repeat domain 62; plus strand). Cytogenetic location: 19q13.12.
Variant type: single nucleotide variant.
Coding change: c.531T>G on transcript NM_001083961.2 (MANE Select); coding-DNA position 531, T replaced by G.
Protein change: p.His177Gln; replaces histidine 177 with glutamine.
Molecular consequence: missense variant.
Genome position (GRCh38, 1-based): chr19:36,066,397, T>G. VCF-style: chr19-36066397-T-G. GRCh37 (hg19) VCF-style: chr19-36557299-T-G.
Other names: c.531T>G, p.His177Gln (NM_173636.5); short protein forms H177Q.
Identifiers: ClinVar variation 1485193 (VCV001485193.8), dbSNP rs1453769740, ClinGen allele CA405427170.

ClinVar aggregate classification (germline): Uncertain significance (1 of 4 stars; one submission).

Submission:

Labcorp Genetics (formerly Invitae), Labcorp
Classification: Uncertain significance. Last evaluated: 2022-07-19. Review status: criteria provided, single submitter. Criteria: Invitae Variant Classification Sherloc (09022015). Collection method: clinical testing. Allele origin: germline.
Comment: In summary, the available evidence is currently insufficient to determine the role of this variant in disease. Therefore, it has been classified as a Variant of Uncertain Significance. Algorithms developed to predict the effect of sequence changes on RNA splicing suggest that this variant may create or strengthen a splice site. Algorithms developed to predict the effect of missense changes on protein structure and function are either unavailable or do not agree on the potential impact of this missense change (SIFT: "Deleterious"; PolyPhen-2: "Probably Damaging"; Align-GVGD: "Class C0"). ClinVar contains an entry for this variant (Variation ID: 1485193). This variant has not been reported in the literature in individuals affected with WDR62-related conditions. This variant is not present in population databases (gnomAD no frequency). This sequence change replaces histidine, which is basic and polar, with glutamine, which is neutral and polar, at codon 177 of the WDR62 protein (p.His177Gln).